The following is an entry in ClinVar:

ClinVar aggregate classification (germline): Benign/Likely benign. Review status: criteria provided, multiple submitters, no conflicts (2 of 4 stars). 13 submissions from 13 submitters: Benign (2); Likely benign (9). 2 of the submissions do not count toward it. Last evaluated 2026-01-04.

Conditions:
STK11-related disorder. Also called: STK11-related condition.
Hereditary cancer-predisposing syndrome. Also called: Neoplastic Syndromes, Hereditary; Hereditary Cancer Syndrome; Hereditary neoplastic syndrome; Tumor predisposition. Identifiers: Orphanet 140162, MedGen C0027672, MeSH D009386, MONDO:0015356.
Peutz-Jeghers syndrome (PJS). Also called: Peutz-Jeghers polyposis; Periorificial lentiginosis syndrome; POLYPOSIS, HAMARTOMATOUS INTESTINAL; POLYPS-AND-SPOTS SYNDROME. Identifiers: Orphanet 2869, MedGen C0031269, MeSH D010580, MONDO:0008280, OMIM 175200.
Malignant tumor of breast. Also called: Malignant breast neoplasm; Cancer breast. Identifiers: MedGen C0006142, MONDO:0007254. Disease mechanism: loss of function.

Allele frequency attached by ClinVar (database versions not stated): gnomAD 0.00001; TOPMed 0.00001; gnomAD exomes 0.00002; ExAC 0.00005.
gnomAD v4.1: 19 of 1,565,228 alleles (0.0012%); highest among the groups gnomAD compares: Admixed American, 0.0038%; no homozygotes.

Submissions (13):

Labcorp Genetics (formerly Invitae), Labcorp
Classification: Likely benign for Peutz-Jeghers syndrome. Last evaluated: 2026-01-04. Review status: criteria provided, single submitter. Criteria: Invitae Variant Classification Sherloc (09022015). Collection method: clinical testing. Allele origin: germline.

Myriad Genetics, Inc.
Classification: Benign for Peutz-Jeghers syndrome. Last evaluated: 2025-03-27. Review status: criteria provided, single submitter. Criteria: Myriad Autosomal Dominant, Autosomal Recessive and X-Linked Classification Criteria (2023). Collection method: clinical testing. Allele origin: unknown.
Comment: This variant is considered benign. This variant is a silent/synonymous amino acid change and it is not expected to impact splicing.

Center for Genomic Medicine, Rigshospitalet, Copenhagen University Hospital
Classification: Likely benign. Last evaluated: 2025-03-04. Review status: criteria provided, single submitter. Criteria: ACMG Guidelines, 2015. Collection method: clinical testing. Allele origin: germline.

All of Us Research Program, National Institutes of Health
Classification: Likely benign for Peutz-Jeghers syndrome. Last evaluated: 2024-08-13. Review status: criteria provided, single submitter. Criteria: ACMG Guidelines, 2015. Collection method: clinical testing. Allele origin: germline. Inheritance: Autosomal dominant inheritance. Observed: 3 variant alleles, 3 heterozygotes.
Comment: This study involves interpretation of variants in research participants for the purpose of population health screening. Participant phenotype was not available at the time of variant classification. Additional details can be found in publication PMID: 35346344, PMCID: PMC8962531

Institute for Biomarker Research, Medical Diagnostic Laboratories, L.L.C.
Classification: Likely benign for Hereditary cancer-predisposing syndrome. Last evaluated: 2024-06-18. Review status: criteria provided, single submitter. Criteria: ACMG Guidelines, 2015. Collection method: clinical testing. Allele origin: germline.

Sema4
Classification: Likely benign for Hereditary cancer-predisposing syndrome. Last evaluated: 2021-08-19. Review status: criteria provided, single submitter. Criteria: Sema4 Curation Guidelines. Collection method: curation. Allele origin: germline.

Genome-Nilou Lab
Classification: Likely benign for Peutz-Jeghers syndrome. Last evaluated: 2021-07-15. Review status: criteria provided, single submitter. Criteria: ACMG Guidelines, 2015. Collection method: clinical testing. Allele origin: germline. Affected: no.

Quest Diagnostics Nichols Institute San Juan Capistrano
Classification: Likely benign. Last evaluated: 2021-04-23. Review status: criteria provided, single submitter. Criteria: Quest Diagnostics criteria. Collection method: clinical testing. Allele origin: unknown.

Color Diagnostics, LLC DBA Color Health
Classification: Likely benign for Hereditary cancer-predisposing syndrome. Last evaluated: 2017-03-08. Review status: criteria provided, single submitter. Criteria: ACMG Guidelines, 2015. Collection method: clinical testing. Allele origin: germline.

Ambry Genetics
Classification: Likely benign for Hereditary cancer-predisposing syndrome. Last evaluated: 2014-10-30. Review status: criteria provided, single submitter. Criteria: Ambry Variant Classification Scheme 2023. Collection method: clinical testing. Allele origin: germline.

GeneDx
Classification: Benign. Last evaluated: 2013-12-24. Review status: criteria provided, single submitter. Criteria: GeneDx Variant Classification (06012015). Collection method: clinical testing. Allele origin: germline. Affected: yes.
Comment: This variant is considered likely benign or benign based on one or more of the following criteria: it is a conservative change, it occurs at a poorly conserved position in the protein, it is predicted to be benign by multiple in silico algorithms, and/or has population frequency not consistent with disease.

PreventionGenetics, part of Exact Sciences
Classification: Likely benign for STK11-related condition. Last evaluated: 2024-03-04. Review status: no assertion criteria provided. Collection method: clinical testing. Allele origin: germline. Not counted in ClinVar's aggregate classification.
Comment: This variant is classified as likely benign based on ACMG/AMP sequence variant interpretation guidelines (Richards et al. 2015 PMID: 25741868, with internal and published modifications).

Department of Pathology and Laboratory Medicine, Sinai Health System
Classification: Likely benign for Malignant tumor of breast. Review status: no assertion criteria provided. Collection method: clinical testing. Allele origin: unknown. Affected: yes. Observed: 1 variant allele. Study: The Canadian Open Genetics Repository (COGR). Not counted in ClinVar's aggregate classification.
Comment: The STK11 p.Pro294= variant was not identified in the literature nor was it identified in the MutDB, LOVD 3.0, Zhejiang Colon Cancer Database, Insight Hereditary Tumors Database. The variant was identified in dbSNP (ID: rs587781178) â€šÃ„ÃºWith Likely benign allele,â€šÃ„Ã¹ ClinVar (as benign by GeneDx and likely benign by Ambry Genetics and Invitae), Clinvitae, and Cosmic databases. The variant was identified in control databases in 4 of 169630 chromosomes at a frequency of 0.000024 increasing the likelihood that this may be a low frequency benign variant in certain populations of origin (Genome Aggregation Consortium Feb 27, 2017). The p.Pro294= variant is not expected to have clinical significance because it does not result in a change of amino acid and is not located in a known consensus splice site. In addition, in silico or computational prediction software programs (SpliceSiteFinder, MaxEntScan, NNSPLICE, GeneSplicer, HumanSpliceFinder) do not predict a difference in splicing. In summary, based on the above information the clinical significance of this variant cannot be determined with certainty at this time although we would lean towards a more benign role for this variant. This variant is classified as likely benign.

NM_000455.5(STK11):c.882G>A (p.Pro294=)

Gene: STK11 (serine/threonine kinase 11; plus strand). Cytogenetic location: 19p13.3.
Variant type: single nucleotide variant.
Coding change: c.882G>A on transcript NM_000455.5 (MANE Select); coding-DNA position 882, G replaced by A.
Protein change: p.Pro294=; no amino-acid change (proline 294 retained).
Molecular consequence: synonymous variant.
Genome position (GRCh38, 1-based): chr19:1,221,968, G>A. VCF-style: chr19-1221968-G-A. GRCh37 (hg19) VCF-style: chr19-1221967-G-A.
Other names: p.P294P:CCG>CCA.
Identifiers: ClinVar variation 139337 (VCV000139337.30), dbSNP rs587781178, ClinGen allele CA023324.